The following is an entry in ClinVar:

NM_001454.4(FOXJ1):c.782C>T (p.Ala261Val)

Gene: FOXJ1 (forkhead box J1; minus strand). Cytogenetic location: 17q25.1.
Variant type: single nucleotide variant.
Coding change: c.782C>T on transcript NM_001454.4 (MANE Select); coding-DNA position 782, C replaced by T.
Protein change: p.Ala261Val; replaces alanine 261 with valine.
Molecular consequence: missense variant.
Genome position (GRCh38, 1-based): chr17:76,137,837, G>A on the plus strand (C>T on the coding strand, the complement: FOXJ1 is on the minus strand). VCF-style: chr17-76137837-G-A. GRCh37 (hg19) VCF-style: chr17-74133918-G-A.
Other names: short protein forms A261V.
Identifiers: ClinVar variation 3032523 (VCV003032523.2), dbSNP rs201414403, ClinGen allele CA8781955.
Genomic context (GRCh38, chr17:76,137,837, plus strand): 5'-CGCTTGGGCAGCGGCTGTTTGCGCTTATGCCCCAGCCTGCCCTCGCCTGCACCCCAGCCC[G>A]CCTCCCCGGTGGCCTCCTCGAACTCCCGCAGCAGCTGCTGGGCCTCGGTATTCACCGTCA-3'
Protein context (NP_001445.2, residues 251-271): LREFEEATGE[Ala261Val]GWGAGEGRLG

ClinVar aggregate classification (germline): Likely benign (0 of 4 stars; one submission).

Conditions:
FOXJ1-related disorder. Also called: FOXJ1-related condition.

Allele frequency attached by ClinVar (database versions not stated): gnomAD exomes 0.00005; 1000 Genomes Project 0.00020; ExAC 0.00023; 1000 Genomes Project 30x 0.00031; ESP Exome Variant Server 0.00041; gnomAD 0.00051; TOPMed 0.00053.

Submission:

PreventionGenetics, part of Exact Sciences
Classification: Likely benign for FOXJ1-related condition. Last evaluated: 2022-08-09. Review status: no assertion criteria provided. Collection method: clinical testing. Allele origin: germline.
Comment: This variant is classified as likely benign based on ACMG/AMP sequence variant interpretation guidelines (Richards et al. 2015 PMID: 25741868, with internal and published modifications).